The following is an entry in ClinVar:

NC_000003.12:g.169764610G>A

Gene: TERC (telomerase RNA component; minus strand). Cytogenetic location: 3q26.2.
Variant type: single nucleotide variant.
Genome position: GRCh38 VCF-style: chr3-169764610-G-A. GRCh37 (hg19) VCF-style: chr3-169482398-G-A.
Identifiers: ClinVar variation 410642 (VCV000410642.8), dbSNP rs1060502986, ClinGen allele CA16611282.

ClinVar aggregate classification (germline): Uncertain significance (1 of 4 stars; one submission).

Conditions:
Dyskeratosis congenita, autosomal dominant 1 (DKCA1). Also called: Dyskeratosis congenita Scoggins type. Identifiers: Orphanet 1775, MedGen C4551974, MONDO:0007485, OMIM 127550. Inheritance: Variable.

Allele frequency attached by ClinVar (database versions not stated): gnomAD exomes below 0.00001 and 0.00001.
gnomAD v4.1: 1 of 684,274 alleles (0.00015%); highest among the groups gnomAD compares: East Asian, 0.0025%; no homozygotes.

Submission:

Labcorp Genetics (formerly Invitae), Labcorp
Classification: Uncertain significance for Dyskeratosis congenita, autosomal dominant 1. Last evaluated: 2024-02-05. Review status: criteria provided, single submitter. Criteria: Invitae Variant Classification Sherloc (09022015). Collection method: clinical testing. Allele origin: germline.
Comment: This variant occurs in the TERC gene, which encodes an RNA molecule that does not result in a protein product. This variant is present in population databases (no rsID available, gnomAD 0.007%). This variant has not been reported in the literature in individuals affected with TERC-related conditions. ClinVar contains an entry for this variant (Variation ID: 410642). This variant is located within the BoxH/ACA scaRNA domain of the TERC RNA component, which is required for telomerase activity (PMID: 21844345). In summary, the available evidence is currently insufficient to determine the role of this variant in disease. Therefore, it has been classified as a Variant of Uncertain Significance.

Literature cited by the submitters: PubMed 21844345.